The following is an entry in ClinVar:

ClinVar aggregate classification (germline): Uncertain significance (1 of 4 stars; one submission).

Conditions:
Inborn genetic diseases. Identifiers: MedGen C0950123, MeSH D030342.

Allele frequency attached by ClinVar (database versions not stated): TOPMed below 0.00001; gnomAD 0.00001.
gnomAD v4.1: 1 of 1,614,080 alleles (0.000062%); highest among the groups gnomAD compares: Non-Finnish European, 0.000085%; no homozygotes.

Submission:

Ambry Genetics
Classification: Uncertain significance for Inborn genetic diseases. Last evaluated: 2023-12-29. Review status: criteria provided, single submitter. Criteria: Ambry Variant Classification Scheme 2023. Collection method: clinical testing. Allele origin: germline.
Comment: The p.H1709R variant (also known as c.5126A>G), located in coding exon 29 of the ATR gene, results from an A to G substitution at nucleotide position 5126. The histidine at codon 1709 is replaced by arginine, an amino acid with highly similar properties. This amino acid position is conserved. In addition, the in silico prediction for this alteration is inconclusive. Since supporting evidence is limited at this time, the clinical significance of this alteration remains unclear.

NM_001184.4(ATR):c.5126A>G (p.His1709Arg)

Gene: ATR (ATR checkpoint kinase; minus strand). Cytogenetic location: 3q23.
Variant type: single nucleotide variant.
Coding change: c.5126A>G on transcript NM_001184.4 (MANE Select); coding-DNA position 5126, A replaced by G.
Protein change: p.His1709Arg; replaces histidine 1709 with arginine.
Molecular consequence: missense variant.
Genome position (GRCh38, 1-based): chr3:142,505,209, T>C on the plus strand (A>G on the coding strand, the complement: ATR is on the minus strand). VCF-style: chr3-142505209-T-C. GRCh37 (hg19) VCF-style: chr3-142224051-T-C.
Other names: c.4934A>G, p.His1645Arg (NM_001354579.2); short protein forms H1645R, H1709R.
Identifiers: ClinVar variation 3221194 (VCV003221194.1), dbSNP rs1218002128, ClinGen allele CA354819891.